The following is an entry in ClinVar:

ClinVar aggregate classification (germline): Uncertain significance (1 of 4 stars; one submission).

Conditions:
Diamond-Blackfan anemia. Also called: Blackfan Diamond syndrome; Aregenerative anemia chronic congenital; Red cell aplasia, pure hereditary; Congenital hypoplastic anemia; Aase syndrome. Identifiers: Orphanet 124, MedGen C1260899, MeSH D029503, MONDO:0015253, HP:0004810.

Submission:

Labcorp Genetics (formerly Invitae), Labcorp
Classification: Uncertain significance for Diamond-Blackfan anemia. Last evaluated: 2025-10-20. Review status: criteria provided, single submitter. Criteria: Invitae Variant Classification Sherloc (09022015). Collection method: clinical testing. Allele origin: germline.
Comment: This sequence change replaces proline, which is neutral and non-polar, with arginine, which is basic and polar, at codon 89 of the RPS19 protein (p.Pro89Arg). This variant is not present in population databases (gnomAD no frequency). This variant has not been reported in the literature in individuals affected with RPS19-related conditions. ClinVar contains an entry for this variant (Variation ID: 2118121). An algorithm developed to predict the effect of missense changes on protein structure and function (PolyPhen-2) suggests that this variant is likely to be disruptive. In summary, the available evidence is currently insufficient to determine the role of this variant in disease. Therefore, it has been classified as a Variant of Uncertain Significance.

NM_001022.4(RPS19):c.266C>G (p.Pro89Arg)

Genes: RPS19 (ribosomal protein S19; plus strand), RPS19-CD79A (RPS19-CD79A readthrough; plus strand). Cytogenetic location: 19q13.2.
Variant type: single nucleotide variant.
Coding change: c.266C>G on transcript NM_001022.4 (MANE Select); coding-DNA position 266, C replaced by G.
Protein change: p.Pro89Arg; replaces proline 89 with arginine.
Molecular consequence: missense variant. On other transcripts: synonymous variant (1).
Genome position (GRCh38, 1-based): chr19:41,869,124, C>G. VCF-style: chr19-41869124-C-G. GRCh37 (hg19) VCF-style: chr19-42373194-C-G.
Other names: c.266C>G, p.Pro89Arg (NM_001321483.2, NM_001321484.2); c.279C>G, p.Ala93= (NM_001321485.2); short protein forms P89R.
Identifiers: ClinVar variation 2118121 (VCV002118121.4), dbSNP rs2513683154, ClinGen allele CA406030372.